The following is an entry in ClinVar:

NM_002618.4(PEX13):c.838G>C (p.Glu280Gln)

Gene: PEX13 (peroxisomal biogenesis factor 13; plus strand). Cytogenetic location: 2p15.
Variant type: single nucleotide variant.
Coding change: c.838G>C on transcript NM_002618.4 (MANE Select); coding-DNA position 838, G replaced by C.
Protein change: p.Glu280Gln; replaces glutamic acid 280 with glutamine.
Molecular consequence: missense variant.
Genome position (GRCh38, 1-based): chr2:61,045,776, G>C. VCF-style: chr2-61045776-G-C. GRCh37 (hg19) VCF-style: chr2-61272911-G-C.
Other names: short protein forms E280Q.
Identifiers: ClinVar variation 2007299 (VCV002007299.4), dbSNP rs1245413171, ClinGen allele CA346948469.
Genomic context (GRCh38, chr2:61,045,776, plus strand): 5'-TGGCTTATAGACAGCATCAACTGGGCAAGTGGTGAGGATGACCATGTAGTTGCCAGAGCA[G>C]AATATGATTTTGCTGCCGTATCTGAAGAAGAAATTTCTTTCCGGGCTGGTGATATGCTGA-3'
Protein context (NP_002609.1, residues 270-290): GEDDHVVARA[Glu280Gln]YDFAAVSEEE

ClinVar aggregate classification (germline): Uncertain significance (1 of 4 stars; one submission).

Conditions:
Peroxisome biogenesis disorder 11A (Zellweger). Also called: Peroxisome biogenesis disorder 11A. Identifiers: Orphanet 912, MedGen C3554000, MONDO:0013949, OMIM 614883.

gnomAD v4.1: 1 of 1,611,292 alleles (0.000062%); highest among the groups gnomAD compares: Admixed American, 0.0017%; no homozygotes.

Submission:

Labcorp Genetics (formerly Invitae), Labcorp
Classification: Uncertain significance for Peroxisome biogenesis disorder 11A (Zellweger). Last evaluated: 2024-10-25. Review status: criteria provided, single submitter. Criteria: Invitae Variant Classification Sherloc (09022015). Collection method: clinical testing. Allele origin: germline.
Comment: This sequence change replaces glutamic acid, which is acidic and polar, with glutamine, which is neutral and polar, at codon 280 of the PEX13 protein (p.Glu280Gln). This variant is present in population databases (no rsID available, gnomAD 0.003%). This variant has not been reported in the literature in individuals affected with PEX13-related conditions. ClinVar contains an entry for this variant (Variation ID: 2007299). Invitae Evidence Modeling of protein sequence and biophysical properties (such as structural, functional, and spatial information, amino acid conservation, physicochemical variation, residue mobility, and thermodynamic stability) indicates that this missense variant is not expected to disrupt PEX13 protein function with a negative predictive value of 80%. In summary, the available evidence is currently insufficient to determine the role of this variant in disease. Therefore, it has been classified as a Variant of Uncertain Significance.